The following is an entry in ClinVar:

ClinVar aggregate classification (germline): Uncertain significance (1 of 4 stars; one submission).

gnomAD v4.1: 1 of 1,429,982 alleles (0.00007%); no homozygotes.

Submission:

Labcorp Genetics (formerly Invitae), Labcorp
Classification: Uncertain significance. Last evaluated: 2022-09-27. Review status: criteria provided, single submitter. Criteria: Invitae Variant Classification Sherloc (09022015). Collection method: clinical testing. Allele origin: germline.
Comment: In summary, the available evidence is currently insufficient to determine the role of this variant in disease. Therefore, it has been classified as a Variant of Uncertain Significance. Variants that disrupt the consensus splice site are a relatively common cause of aberrant splicing (PMID: 17576681, 9536098). Algorithms developed to predict the effect of sequence changes on RNA splicing suggest that this variant is not likely to affect RNA splicing. ClinVar contains an entry for this variant (Variation ID: 1465341). This variant has not been reported in the literature in individuals affected with KMT2A-related conditions. This variant is not present in population databases (gnomAD no frequency). This sequence change falls in intron 17 of the KMT2A gene. It does not directly change the encoded amino acid sequence of the KMT2A protein. It affects a nucleotide within the consensus splice site.

Literature cited by the submitters: PubMed 17576681; PubMed 9536098.

NM_001197104.2(KMT2A):c.5289+6T>C

Gene: KMT2A (lysine methyltransferase 2A; plus strand). Cytogenetic location: 11q23.3.
Variant type: single nucleotide variant.
Coding change: c.5289+6T>C on transcript NM_001197104.2 (MANE Select); 6 bases into the intron after coding-DNA position 5289, T replaced by C.
Molecular consequence: intron variant.
Genome position (GRCh38, 1-based): chr11:118,494,404, T>C. VCF-style: chr11-118494404-T-C. GRCh37 (hg19) VCF-style: chr11-118365119-T-C.
Other names: c.5280+6T>C (NM_005933.4).
Identifiers: ClinVar variation 1465341 (VCV001465341.6), dbSNP rs2134350099, ClinGen allele CA2573147030.